The following is an entry in ClinVar:

NM_033641.4(COL4A6):c.3402C>T (p.Ala1134=)

Gene: COL4A6 (collagen type IV alpha 6 chain; minus strand). Cytogenetic location: Xq22.3.
Variant type: single nucleotide variant.
Coding change: c.3402C>T on transcript NM_033641.4 (MANE Select); coding-DNA position 3402, C replaced by T.
Protein change: p.Ala1134=; no amino-acid change (alanine 1134 retained).
Molecular consequence: synonymous variant.
Genome position (GRCh38, 1-based): chrX:108,170,700, G>A on the plus strand (C>T on the coding strand, the complement: COL4A6 is on the minus strand). VCF-style: chrX-108170700-G-A. GRCh37 (hg19) VCF-style: chrX-107413930-G-A.
Other names: p.Ala1135=; c.3453C>T, p.Ala1151= (NM_001287758.2); c.3402C>T, p.Ala1134= (NM_001287759.2, NM_001287760.2); c.3405C>T, p.Ala1135= (NM_001847.4).
Identifiers: ClinVar variation 258274 (VCV000258274.16), dbSNP rs2295912, ClinGen allele CA10487425.

ClinVar aggregate classification (germline): Benign/Likely benign. Review status: criteria provided, multiple submitters, no conflicts (2 of 4 stars). 8 submissions from 8 submitters: Benign (7); Likely benign (1). Last evaluated 2026-02-01.

Conditions:
Hearing loss, X-linked 6. Also called: Deafness, X-linked 6. Identifiers: Orphanet 90625, MedGen C3806737, MONDO:0010484, OMIM 300914.

Allele frequency attached by ClinVar (database versions not stated): gnomAD exomes 0.02620 and 0.03655; ExAC 0.03866; gnomAD 0.05050 and 0.05171; ESP Exome Variant Server 0.05794; TOPMed 0.05798; 1000 Genomes Project 0.07762; 1000 Genomes Project 30x 0.08054.
gnomAD v4.1: 34,640 of 1,204,103 alleles (2.9%); highest among the groups gnomAD compares: African/African-American, 12%; 600 homozygotes.

Submissions (8):

Labcorp Genetics (formerly Invitae), Labcorp
Classification: Benign. Last evaluated: 2026-02-01. Review status: criteria provided, single submitter. Criteria: Invitae Variant Classification Sherloc (09022015). Collection method: clinical testing. Allele origin: germline.

Blueprint Genetics
Classification: Likely benign. Last evaluated: 2024-11-28. Review status: criteria provided, single submitter. Criteria: ACMG Guidelines, 2015. Collection method: clinical testing. Allele origin: germline.

Mayo Clinic Laboratories, Mayo Clinic
Classification: Benign. Last evaluated: 2023-04-03. Review status: criteria provided, single submitter. Criteria: ACMG Guidelines, 2015. Collection method: clinical testing. Allele origin: germline. Observed: 8 variant alleles.

Genome-Nilou Lab
Classification: Benign for Hearing loss, X-linked 6. Last evaluated: 2021-07-30. Review status: criteria provided, single submitter. Criteria: ACMG Guidelines, 2015. Collection method: clinical testing. Allele origin: germline. Affected: no.

Athena Diagnostics
Classification: Benign. Last evaluated: 2018-09-12. Review status: criteria provided, single submitter. Criteria: Athena Diagnostics Criteria. Collection method: clinical testing. Allele origin: germline.

GeneDx
Classification: Benign. Last evaluated: 2017-05-09. Review status: criteria provided, single submitter. Criteria: GeneDx Variant Classification (06012015). Collection method: clinical testing. Allele origin: germline. Affected: yes.
Comment: This variant is considered likely benign or benign based on one or more of the following criteria: it is a conservative change, it occurs at a poorly conserved position in the protein, it is predicted to be benign by multiple in silico algorithms, and/or has population frequency not consistent with disease.

Breakthrough Genomics
Classification: Benign. Review status: criteria provided, single submitter. Criteria: ACMG Guidelines, 2015. Collection method: not provided. Allele origin: germline. Inheritance: X-linked inheritance. Affected: yes.

PreventionGenetics, part of Exact Sciences
Classification: Benign. Review status: criteria provided, single submitter. Criteria: ACMG Guidelines, 2015. Collection method: clinical testing. Allele origin: germline.